The following is an entry in ClinVar:

ClinVar aggregate classification (germline): Likely benign (1 of 4 stars; one submission).

gnomAD v4.1: 2 of 1,593,986 alleles (0.00013%); no homozygotes.

Submission:

CeGaT Center for Human Genetics Tuebingen
Classification: Likely benign. Last evaluated: 2023-02-01. Review status: criteria provided, single submitter. Criteria: CeGaT Center For Human Genetics Tuebingen Variant Classification Criteria Version 2. Collection method: clinical testing. Allele origin: germline. Affected: yes. Observed: 1 variant allele.
Comment: PKD1: PM2:Supporting, BP4, BP7

NM_001009944.3(PKD1):c.3618G>A (p.Val1206=)

Gene: PKD1 (polycystin 1, transient receptor potential channel interacting; minus strand). Cytogenetic location: 16p13.3.
Variant type: single nucleotide variant.
Coding change: c.3618G>A on transcript NM_001009944.3 (MANE Select); coding-DNA position 3618, G replaced by A.
Protein change: p.Val1206=; no amino-acid change (valine 1206 retained).
Molecular consequence: synonymous variant.
Genome position (GRCh38, 1-based): chr16:2,111,549, C>T on the plus strand (G>A on the coding strand, the complement: PKD1 is on the minus strand). VCF-style: chr16-2111549-C-T. GRCh37 (hg19) VCF-style: chr16-2161550-C-T.
Other names: c.3618G>A, p.Val1206= (NM_000296.4).
Identifiers: ClinVar variation 2646022 (VCV002646022.24), dbSNP rs1443461442, ClinGen allele CA493049198.
Genomic context (GRCh38, chr16:2,111,549, plus strand): 5'-GCCCTGCTCCACGGCCAGGCTCATGTCCACGCTGAGTCCGCGGAGCTCCTCAAAGACGCG[C>T]ACATCCGCCTGGGCCGCCGCACCGCTCACCGTGTTGTTGACCTCCAGGCGCACGTGGTAG-3'
Protein context (NP_001009944.3, residues 1196-1216): TVSGAAAQAD[Val1206=]RVFEELRGLS